The following is an entry in ClinVar:

NC_000006.11:g.(?_65146047)_(65149265_?)dup

Gene: EYS (eyes shut homolog; minus strand). Cytogenetic location: 6q12.
Variant type: Duplication.
Identifiers: ClinVar variation 3246142 (VCV003246142.1).

ClinVar aggregate classification (germline): Pathogenic (1 of 4 stars; one submission).

Submission:

Labcorp Genetics (formerly Invitae), Labcorp
Classification: Pathogenic. Last evaluated: 2022-10-17. Review status: criteria provided, single submitter. Criteria: Invitae Variant Classification Sherloc (09022015). Collection method: clinical testing. Allele origin: unknown.
Comment: For these reasons, this variant has been classified as Pathogenic. A similar copy number variant has been observed in individuals with retinitis pigmentosa (PMID: 29550188). This variant results in a copy number gain of the genomic region encompassing exon(s) 27-28 of the EYS gene. While the exact position of this variant cannot be determined from the data, sub-genic copy number gains are generally in tandem (PMID: 25640679). This variant is predicted to be out-of-frame, and may result in an absent or disrupted protein product. Loss-of-function variants in EYS are known to be pathogenic (PMID: 18836446, 20333770).

Literature cited by the submitters: PubMed 29550188; PubMed 25640679; PubMed 18836446; PubMed 20333770.